The following is an entry in ClinVar:

ClinVar aggregate classification (germline): Uncertain significance (1 of 4 stars; one submission).

Submission:

GeneDx
Classification: Uncertain significance. Last evaluated: 2023-05-02. Review status: criteria provided, single submitter. Criteria: GeneDx Variant Classification Process June 2021. Collection method: clinical testing. Allele origin: germline. Affected: yes.
Comment: Not observed at significant frequency in large population cohorts (gnomAD); In silico analysis supports that this missense variant has a deleterious effect on protein structure/function; Has not been previously published as pathogenic or benign to our knowledge

NM_020338.4(ZMIZ1):c.3146C>T (p.Pro1049Leu)

Gene: ZMIZ1 (zinc finger MIZ-type containing 1; plus strand). Cytogenetic location: 10q22.3.
Variant type: single nucleotide variant.
Coding change: c.3146C>T on transcript NM_020338.4 (MANE Select); coding-DNA position 3146, C replaced by T.
Protein change: p.Pro1049Leu; replaces proline 1049 with leucine.
Molecular consequence: missense variant.
Genome position (GRCh38, 1-based): chr10:79,312,691, C>T. VCF-style: chr10-79312691-C-T. GRCh37 (hg19) VCF-style: chr10-81072448-C-T.
Other names: short protein forms P1049L.
Identifiers: ClinVar variation 2663442 (VCV002663442.1), dbSNP rs1454494693, ClinGen allele CA377345791.